The following is an entry in ClinVar:

NM_014244.5(ADAMTS2):c.2944G>A (p.Gly982Arg)

Gene: ADAMTS2 (ADAM metallopeptidase with thrombospondin type 1 motif 2; minus strand). Cytogenetic location: 5q35.3.
Variant type: single nucleotide variant.
Coding change: c.2944G>A on transcript NM_014244.5 (MANE Select); coding-DNA position 2944, G replaced by A.
Protein change: p.Gly982Arg; replaces glycine 982 with arginine.
Molecular consequence: missense variant.
Genome position (GRCh38, 1-based): chr5:179,124,987, C>T on the plus strand (G>A on the coding strand, the complement: ADAMTS2 is on the minus strand). VCF-style: chr5-179124987-C-T. GRCh37 (hg19) VCF-style: chr5-178551988-C-T.
Other names: short protein forms G982R.
Identifiers: ClinVar variation 2032095 (VCV002032095.3), dbSNP rs1156778092, ClinGen allele CA362419780.
Genomic context (GRCh38, chr5:179,124,987, plus strand): 5'-ACCCTCAGTTTTGGAGCTGAGGACACGGGATCGGGGGATTGCGTACCTGGGACCAGGGCC[C>T]GGCTCGCCAACGACCAGGGCAGAGCTCGCGGCTGCAGGCCCGGCGGCTCTCGGGCCGGGC-3'
Protein context (NP_055059.2, residues 972-992): RELCPGRWRA[Gly982Arg]PWSQCSVTCG

ClinVar aggregate classification (germline): Uncertain significance. Review status: criteria provided, multiple submitters, no conflicts (2 of 4 stars). 2 submissions from 2 submitters: Uncertain significance (2). Last evaluated 2025-11-17.

Conditions:
Ehlers-Danlos syndrome, dermatosparaxis type. Also called: EDS VIIC; Dermatosparaxis; Ehlers-Danlos syndrome, type VII, autosomal recessive. Identifiers: Orphanet 1901, MedGen C2700425, MONDO:0009161, OMIM 225410.
Inborn genetic diseases. Identifiers: MedGen C0950123, MeSH D030342.

Allele frequency attached by ClinVar (database versions not stated): gnomAD 0.00001.
gnomAD v4.1: 11 of 1,605,658 alleles (0.00069%); highest among the groups gnomAD compares: Middle Eastern, 0.017%; no homozygotes.

Submissions (2):

Labcorp Genetics (formerly Invitae), Labcorp
Classification: Uncertain significance for Ehlers-Danlos syndrome, dermatosparaxis type. Last evaluated: 2025-11-17. Review status: criteria provided, single submitter. Criteria: Invitae Variant Classification Sherloc (09022015). Collection method: clinical testing. Allele origin: germline.
Comment: This sequence change replaces glycine, which is neutral and non-polar, with arginine, which is basic and polar, at codon 982 of the ADAMTS2 protein (p.Gly982Arg). This variant is present in population databases (no rsID available, gnomAD 0.003%). This variant has not been reported in the literature in individuals affected with ADAMTS2-related conditions. ClinVar contains an entry for this variant (Variation ID: 2032095). An algorithm developed to predict the effect of missense changes on protein structure and function (PolyPhen-2) suggests that this variant is likely to be disruptive. In summary, the available evidence is currently insufficient to determine the role of this variant in disease. Therefore, it has been classified as a Variant of Uncertain Significance.

Ambry Genetics
Classification: Uncertain significance for Inborn genetic diseases. Last evaluated: 2022-11-01. Review status: criteria provided, single submitter. Criteria: Ambry Variant Classification Scheme 2023. Collection method: clinical testing. Allele origin: germline.